The following is an entry in ClinVar:

ClinVar aggregate classification (germline): Uncertain significance (1 of 4 stars; one submission).

gnomAD v4.1: 7 of 1,614,042 alleles (0.00043%); highest among the groups gnomAD compares: South Asian, 0.0011%; no homozygotes.

Submission:

CeGaT Center for Human Genetics Tuebingen
Classification: Uncertain significance. Last evaluated: 2025-04-01. Review status: criteria provided, single submitter. Criteria: CeGaT Center For Human Genetics Tuebingen Variant Classification Criteria Version 2. Collection method: clinical testing. Allele origin: germline. Affected: yes. Observed: 1 variant allele.
Comment: ATL1: PM2:Supporting, PP3

NM_015915.5(ATL1):c.1378G>A (p.Val460Met)

Gene: ATL1 (atlastin GTPase 1; plus strand). Cytogenetic location: 14q22.1.
Variant type: single nucleotide variant.
Coding change: c.1378G>A on transcript NM_015915.5 (MANE Select); coding-DNA position 1378, G replaced by A.
Protein change: p.Val460Met; replaces valine 460 with methionine.
Molecular consequence: missense variant.
Genome position (GRCh38, 1-based): chr14:50,628,289, G>A. VCF-style: chr14-50628289-G-A. GRCh37 (hg19) VCF-style: chr14-51095007-G-A.
Other names: c.1378G>A, p.Val460Met (NM_001127713.1, NM_181598.4); short protein forms V460M.
Identifiers: ClinVar variation 3898603 (VCV003898603.7).
Genomic context (GRCh38, chr14:50,628,289, plus strand): 5'-AATATCTTCCATGCAGCTCGTACCCCAGCCACACTGTTTGTAGTCATCTTTATCACATAT[G>A]TGATTGCTGGTGTGACTGGATTCATTGGTTTGGACATCATAGCTAGCCTATGCAATATGA-3'
Protein context (NP_056999.2, residues 450-470): TLFVVIFITY[Val460Met]IAGVTGFIGL